The following is an entry in ClinVar:

NC_000009.11:g.(?_137721802)_(137734169_?)dup

Genes: COL5A1 (collagen type V alpha 1 chain; plus strand), LOC101448202 (uncharacterized LOC101448202; minus strand). Cytogenetic location: 9q34.3.
Variant type: Duplication.
Identifiers: ClinVar variation 459649 (VCV000459649.3).

ClinVar aggregate classification (germline): Uncertain significance (1 of 4 stars; one submission).

Conditions:
Ehlers-Danlos syndrome, classic type (cEDS). Identifiers: Orphanet 287, MedGen C4225429, MONDO:0007522.

Submission:

Labcorp Genetics (formerly Invitae), Labcorp
Classification: Uncertain significance for Ehlers-Danlos syndrome, classic type, 1. Last evaluated: 2017-03-26. Review status: criteria provided, single submitter. Criteria: Invitae Variant Classification Sherloc (09022015). Collection method: clinical testing. Allele origin: germline.
Comment: This variant is a gross duplication of the genomic region encompassing exons 64-66 of the COL5A1 gene. The 5' boundary is likely confined to intron 63. The 3' end of this event is unknown as it extends beyond the assayed region for this gene and therefore may encompass additional genes. This variant is not present in population databases and has not been reported in the literature in individuals with a COL5A1-related disease. In summary, the exact genomic location of this variant is unknown and the impact of this duplication on COL5A1 protein function has not been established. Therefore, it has been classified as a Variant of Uncertain Significance.